The following is an entry in ClinVar:

NM_001035.3(RYR2):c.4487C>T (p.Pro1496Leu)

Gene: RYR2 (ryanodine receptor 2; plus strand). Cytogenetic location: 1q43.
Variant type: single nucleotide variant.
Coding change: c.4487C>T on transcript NM_001035.3 (MANE Select); coding-DNA position 4487, C replaced by T.
Protein change: p.Pro1496Leu; replaces proline 1496 with leucine.
Molecular consequence: missense variant.
Genome position (GRCh38, 1-based): chr1:237,595,548, C>T. VCF-style: chr1-237595548-C-T. GRCh37 (hg19) VCF-style: chr1-237758848-C-T.
Other names: short protein forms P1496L.
Identifiers: ClinVar variation 924896 (VCV000924896.5), dbSNP rs1675798798, ClinGen allele CA345400316.

ClinVar aggregate classification (germline): Uncertain significance (1 of 4 stars; one submission).

Conditions:
Cardiomyopathy (CMYO). Also called: Cardiomyopathies. Identifiers: Orphanet 167848, MedGen C0878544, MONDO:0004994, HP:0001638. Inheritance: Various modes of inheritance.

Submission:

Color Diagnostics, LLC DBA Color Health
Classification: Uncertain significance for Cardiomyopathy. Last evaluated: 2023-12-05. Review status: criteria provided, single submitter. Criteria: ACMG Guidelines, 2015. Collection method: clinical testing. Allele origin: germline.
Comment: Variant of Uncertain Significance due to insufficient evidence: This missense variant is located in the SPRY domain 3 in the cytoplasmic domain of the RYR2 protein. Computational prediction tools and conservation analyses are inconclusive regarding the impact of this variant on the protein function. Computational splicing tools suggest that this variant may not impact RNA splicing. To our knowledge, functional assays have not been performed for this variant nor has this variant been reported in individuals affected with cardiovascular disorders in the literature. This variant is rare in the general population and has been identified in 0/277264 chromosomes by the Genome Aggregation Database (gnomAD). Available evidence is insufficient to determine the pathogenicity of this variant conclusively.